The following is an entry in ClinVar:

NM_005359.6(SMAD4):c.584A>G (p.Tyr195Cys)

Gene: SMAD4 (SMAD family member 4; plus strand). Cytogenetic location: 18q21.2.
Variant type: single nucleotide variant.
Coding change: c.584A>G on transcript NM_005359.6 (MANE Select); coding-DNA position 584, A replaced by G.
Protein change: p.Tyr195Cys; replaces tyrosine 195 with cysteine.
Molecular consequence: missense variant.
Genome position (GRCh38, 1-based): chr18:51,054,910, A>G. VCF-style: chr18-51054910-A-G. GRCh37 (hg19) VCF-style: chr18-48581280-A-G.
Other names: short protein forms Y195C.
Identifiers: ClinVar variation 484832 (VCV000484832.8), dbSNP rs1555685656, ClinGen allele CA402461060.
Genomic context (GRCh38, chr18:51,054,910, plus strand): 5'-AAGGACATTCAATTCAAACCATCCAGCATCCACCAAGTAATCGTGCATCGACAGAGACAT[A>G]CAGCACCCCAGCTCTGTTAGCCCCATCTGAGTCTAATGCTACCAGCACTGCCAACTTTCC-3'
Protein context (NP_005350.1, residues 185-205): PPSNRASTET[Tyr195Cys]STPALLAPSE

ClinVar aggregate classification (germline): Uncertain significance. Review status: criteria provided, multiple submitters, no conflicts (2 of 4 stars). 2 submissions from 2 submitters: Uncertain significance (2). Last evaluated 2024-09-05.

Conditions:
Juvenile polyposis syndrome (JPS). Identifiers: Orphanet 2929, MedGen C0345893, MONDO:0017380, OMIM 174900.
Familial thoracic aortic aneurysm and aortic dissection (TAAD). Also called: Thoracic aortic aneurysms and dissections. Identifiers: Orphanet 91387, MedGen C4707243, MONDO:0019625.
Hereditary cancer-predisposing syndrome. Also called: Hereditary neoplastic syndrome; Neoplastic Syndromes, Hereditary; Tumor predisposition; Hereditary Cancer Syndrome. Identifiers: Orphanet 140162, MedGen C0027672, MeSH D009386, MONDO:0015356.

Submissions (2):

Labcorp Genetics (formerly Invitae), Labcorp
Classification: Uncertain significance for Juvenile polyposis syndrome. Last evaluated: 2024-09-05. Review status: criteria provided, single submitter. Criteria: Invitae Variant Classification Sherloc (09022015). Collection method: clinical testing. Allele origin: germline.
Comment: This sequence change replaces tyrosine, which is neutral and polar, with cysteine, which is neutral and slightly polar, at codon 195 of the SMAD4 protein (p.Tyr195Cys). This variant is not present in population databases (gnomAD no frequency). This variant has not been reported in the literature in individuals affected with SMAD4-related conditions. ClinVar contains an entry for this variant (Variation ID: 484832). Invitae Evidence Modeling of protein sequence and biophysical properties (such as structural, functional, and spatial information, amino acid conservation, physicochemical variation, residue mobility, and thermodynamic stability) has been performed for this missense variant. However, the output from this modeling did not meet the statistical confidence thresholds required to predict the impact of this variant on SMAD4 protein function. In summary, the available evidence is currently insufficient to determine the role of this variant in disease. Therefore, it has been classified as a Variant of Uncertain Significance.

Ambry Genetics
Classification: Uncertain significance for Hereditary cancer-predisposing syndrome; Familial thoracic aortic aneurysm and aortic dissection. Last evaluated: 2017-08-28. Review status: criteria provided, single submitter. Criteria: Ambry Variant Classification Scheme 2023. Collection method: clinical testing. Allele origin: germline.
Comment: The p.Y195C variant (also known as c.584A>G), located in coding exon 4 of the SMAD4 gene, results from an A to G substitution at nucleotide position 584. The tyrosine at codon 195 is replaced by cysteine, an amino acid with highly dissimilar properties. This amino acid position is well conserved in available vertebrate species. In addition, the in silico prediction for this alteration is inconclusive. Since supporting evidence is limited at this time, the clinical significance of this alteration remains unclear.